The following is an entry in ClinVar:

NM_014956.5(CEP164):c.1803A>C (p.Gln601His)

Gene: CEP164 (centrosomal protein 164; plus strand). Cytogenetic location: 11q23.3.
Variant type: single nucleotide variant.
Coding change: c.1803A>C on transcript NM_014956.5 (MANE Select); coding-DNA position 1803, A replaced by C.
Protein change: p.Gln601His; replaces glutamine 601 with histidine.
Molecular consequence: missense variant. On other transcripts: intron variant (6).
Genome position (GRCh38, 1-based): chr11:117,387,281, A>C. VCF-style: chr11-117387281-A-C. GRCh37 (hg19) VCF-style: chr11-117257997-A-C.
Other names: c.1812A>C, p.Gln604His (NM_001271933.2, NM_001440949.1); c.1803A>C, p.Gln601His (NM_001440950.1, NM_001440951.1, NM_001440953.1); c.1638A>C, p.Gln546His (NM_001440952.1, NM_001440968.1, NM_001440969.1); c.1725A>C, p.Gln575His (NM_001440954.1, NM_001440955.1, NM_001440958.1 and 1 more transcripts); c.1716A>C, p.Gln572His (NM_001440956.1, NM_001440957.1); c.1674A>C, p.Gln558His (NM_001440960.1); c.1665A>C, p.Gln555His (NM_001440961.1, NM_001440967.1); c.1656A>C, p.Gln552His (NM_001440962.1, NM_001440963.1, NM_001440964.1 and 4 more transcripts); and 7 more; short protein forms Q526H, Q572H, Q552H, Q558H, Q601H, Q604H, Q548H, Q555H.
Identifiers: ClinVar variation 4998191 (VCV004998191.1).

ClinVar aggregate classification (germline): Uncertain significance (1 of 4 stars; one submission).

Conditions:
CEP164-related disorder. Also called: CEP164-related condition.

gnomAD v4.1: 17 of 1,614,110 alleles (0.0011%); highest among the groups gnomAD compares: Non-Finnish European, 0.0014%; no homozygotes.

Submission:

PreventionGenetics, part of Exact Sciences
Classification: Uncertain significance for CEP164-related condition. Last evaluated: 2026-04-04. Review status: criteria provided, single submitter. Criteria: ACMG Guidelines, 2015. Collection method: clinical testing. Allele origin: germline.
Comment: The CEP164 c.1803A>C variant is predicted to result in the amino acid substitution p.Gln601His. To our knowledge, this variant has not been reported in the literature or in a large population database (gnomAD), indicating this variant is rare. At this time, the clinical significance of this variant is uncertain due to the absence of conclusive functional and genetic evidence.